The following is an entry in ClinVar:

ClinVar aggregate classification (germline): Conflicting classifications of pathogenicity. Review status: criteria provided, conflicting classifications (1 of 4 stars). 3 submissions from 3 submitters: Uncertain significance (2); Likely benign (1). Last evaluated 2026-01-11.

Conditions:
STK4-related disorder. Also called: STK4-related condition.
Inborn genetic diseases. Identifiers: MedGen C0950123, MeSH D030342.
Combined immunodeficiency due to STK4 deficiency (IMD110). Also called: STK4 DEFICIENCY; MST1 DEFICIENCY; T-cell immunodeficiency, recurrent infections, and autoimmunity with or without cardiac malformations. Identifiers: Orphanet 314689, MedGen C3553943, MONDO:0013934, OMIM 614868.

Allele frequency attached by ClinVar (database versions not stated): gnomAD exomes 0.00001; gnomAD 0.00002; TOPMed 0.00002; ExAC 0.00005.
gnomAD v4.1: 21 of 1,609,380 alleles (0.0013%); highest among the groups gnomAD compares: East Asian, 0.045%; no homozygotes.

Submissions (3):

Labcorp Genetics (formerly Invitae), Labcorp
Classification: Likely benign for Combined immunodeficiency due to STK4 deficiency. Last evaluated: 2026-01-11. Review status: criteria provided, single submitter. Criteria: Invitae Variant Classification Sherloc (09022015). Collection method: clinical testing. Allele origin: germline.

Ambry Genetics
Classification: Uncertain significance for Inborn genetic diseases. Last evaluated: 2024-12-31. Review status: criteria provided, single submitter. Criteria: Ambry Variant Classification Scheme 2023. Collection method: clinical testing. Allele origin: germline.

PreventionGenetics, part of Exact Sciences
Classification: Uncertain significance for STK4-related condition. Last evaluated: 2023-06-02. Review status: criteria provided, single submitter. Criteria: ACMG Guidelines, 2015. Collection method: clinical testing. Allele origin: germline.
Comment: The STK4 c.484C>A variant is predicted to result in the amino acid substitution p.His162Asn. To our knowledge, this variant has not been reported in the literature. This variant is reported in 0.072% of alleles in individuals of East Asian descent in gnomAD. At this time, the clinical significance of this variant is uncertain due to the absence of conclusive functional and genetic evidence.

NM_006282.5(STK4):c.484C>A (p.His162Asn)

Gene: STK4 (serine/threonine kinase 4; plus strand). Cytogenetic location: 20q13.12.
Variant type: single nucleotide variant.
Coding change: c.484C>A on transcript NM_006282.5 (MANE Select); coding-DNA position 484, C replaced by A.
Protein change: p.His162Asn; replaces histidine 162 with asparagine.
Molecular consequence: missense variant.
Genome position (GRCh38, 1-based): chr20:44,987,255, C>A. VCF-style: chr20-44987255-C-A. GRCh37 (hg19) VCF-style: chr20-43615896-C-A.
Other names: c.484C>A, p.His162Asn (NM_001352385.2); short protein forms H162N.
Identifiers: ClinVar variation 2629147 (VCV002629147.5), dbSNP rs55850759, ClinGen allele CA9873811.